The following is an entry in ClinVar:

ClinVar aggregate classification (germline): Uncertain significance (1 of 4 stars; one submission).

Submission:

Labcorp Genetics (formerly Invitae), Labcorp
Classification: Uncertain significance. Last evaluated: 2023-02-05. Review status: criteria provided, single submitter. Criteria: Invitae Variant Classification Sherloc (09022015). Collection method: clinical testing. Allele origin: germline.
Comment: Advanced modeling of protein sequence and biophysical properties (such as structural, functional, and spatial information, amino acid conservation, physicochemical variation, residue mobility, and thermodynamic stability) performed at Invitae indicates that this missense variant is not expected to disrupt ABRAXAS1 protein function. This variant has not been reported in the literature in individuals affected with ABRAXAS1-related conditions. This variant is not present in population databases (gnomAD no frequency). This sequence change replaces alanine, which is neutral and non-polar, with threonine, which is neutral and polar, at codon 169 of the ABRAXAS1 protein (p.Ala169Thr). In summary, the available evidence is currently insufficient to determine the role of this variant in disease. Therefore, it has been classified as a Variant of Uncertain Significance.

NM_139076.3(ABRAXAS1):c.505G>A (p.Ala169Thr)

Gene: ABRAXAS1 (abraxas 1, BRCA1 A complex subunit; minus strand). Cytogenetic location: 4q21.23.
Variant type: single nucleotide variant.
Coding change: c.505G>A on transcript NM_139076.3 (MANE Select); coding-DNA position 505, G replaced by A.
Protein change: p.Ala169Thr; replaces alanine 169 with threonine.
Molecular consequence: missense variant.
Genome position (GRCh38, 1-based): chr4:83,469,123, C>T on the plus strand (G>A on the coding strand, the complement: ABRAXAS1 is on the minus strand). VCF-style: chr4-83469123-C-T. GRCh37 (hg19) VCF-style: chr4-84390276-C-T.
Other names: c.178G>A, p.Ala60Thr (NM_001345962.2); short protein forms A169T, A60T.
Identifiers: ClinVar variation 2891696 (VCV002891696.3), dbSNP rs2110038721, ClinGen allele CA357259589.
Genomic context (GRCh38, chr4:83,469,123, plus strand): 5'-TGGACATACAGGAACCTGATACAGTTTTATAACCCAGTTGTTCAGACATGCCCAGATTGG[C>T]AACCACTAAAGGTACCCTGTGAAAAAGTCTGACAAAATAAAACTTTAGAGTATAAACTTA-3'
Protein context (NP_620775.2, residues 159-179): GLFHRVPLVV[Ala169Thr]NLGMSEQLGY